The following is an entry in ClinVar:

ClinVar aggregate classification (germline): Pathogenic. Review status: criteria provided, multiple submitters, no conflicts (2 of 4 stars). 2 submissions from 2 submitters: Pathogenic (2). Last evaluated 2023-06-07.

Conditions:
Microcephalic osteodysplastic primordial dwarfism type II (MOPD2). Also called: Microcephalic osteodysplastic primordial dwarfism with tooth abnormalities; MOPD II; OSTEODYSPLASTIC PRIMORDIAL DWARFISM, TYPE II. Identifiers: Orphanet 2637, MedGen C0432246, MONDO:0008872, OMIM 210720.

gnomAD v4.1: 1 of 1,612,378 alleles (0.000062%); highest among the groups gnomAD compares: South Asian, 0.0011%; no homozygotes.

Submissions (2):

Labcorp Genetics (formerly Invitae), Labcorp
Classification: Pathogenic. Last evaluated: 2023-06-07. Review status: criteria provided, single submitter. Criteria: Invitae Variant Classification Sherloc (09022015). Collection method: clinical testing. Allele origin: germline.
Comment: This variant has not been reported in the literature in individuals affected with PCNT-related conditions. For these reasons, this variant has been classified as Pathogenic. ClinVar contains an entry for this variant (Variation ID: 436277). This variant is not present in population databases (gnomAD no frequency). This sequence change creates a premature translational stop signal (p.Glu1828*) in the PCNT gene. It is expected to result in an absent or disrupted protein product. Loss-of-function variants in PCNT are known to be pathogenic (PMID: 18174396, 22821869).

Genetic Services Laboratory, University of Chicago
Classification: Pathogenic for Microcephalic osteodysplastic primordial dwarfism, type II. Last evaluated: 2016-05-03. Review status: criteria provided, single submitter. Criteria: ACMG Guidelines, 2015. Collection method: clinical testing. Allele origin: germline. Affected: yes.

Literature cited by the submitters: PubMed 18174396 (cited by Labcorp Genetics (formerly Invitae), Labcorp); PubMed 22821869 (cited by Labcorp Genetics (formerly Invitae), Labcorp).

NM_006031.6(PCNT):c.5482G>T (p.Glu1828Ter)

Gene: PCNT (pericentrin; plus strand). Cytogenetic location: 21q22.3.
Variant type: single nucleotide variant.
Coding change: c.5482G>T on transcript NM_006031.6 (MANE Select); coding-DNA position 5482, G replaced by T.
Protein change: p.Glu1828Ter; replaces glutamic acid 1828 with a stop codon.
Molecular consequence: nonsense.
Genome position (GRCh38, 1-based): chr21:46,411,555, G>T. VCF-style: chr21-46411555-G-T. GRCh37 (hg19) VCF-style: chr21-47831469-G-T.
Other names: c.5128G>T, p.Glu1710Ter (NM_001315529.2); short protein forms E1828*, E1710*.
Identifiers: ClinVar variation 436277 (VCV000436277.9), dbSNP rs1315359733, ClinGen allele CA410554155.
Genomic context (GRCh38, chr21:46,411,555, plus strand): 5'-GACCAGGAGCGCAGGCACAGCCAGGCCCTGGAGGCCCTGCAGCAGCGCCTCCAGGGCGCA[G>T]AGGAGGCTGCGGAGCTACAGCTGGCTGAGCTGGAGCGCAATGTAGCCCTCAGGGAGGCTG-3'